The following is an entry in ClinVar:

NM_001355436.2(SPTB):c.3367T>C (p.Ser1123Pro)

Gene: SPTB (spectrin beta, erythrocytic; minus strand). Cytogenetic location: 14q23.3.
Variant type: single nucleotide variant.
Coding change: c.3367T>C on transcript NM_001355436.2 (MANE Select); coding-DNA position 3367, T replaced by C.
Protein change: p.Ser1123Pro; replaces serine 1123 with proline.
Molecular consequence: missense variant.
Genome position (GRCh38, 1-based): chr14:64,786,598, A>G on the plus strand (T>C on the coding strand, the complement: SPTB is on the minus strand). VCF-style: chr14-64786598-A-G. GRCh37 (hg19) VCF-style: chr14-65253316-A-G.
Other names: c.3367T>C, p.Ser1123Pro (NM_001024858.4, NM_001355437.2); short protein forms S1123P.
Identifiers: ClinVar variation 4709215 (VCV004709215.1).
Genomic context (GRCh38, chr14:64,786,598, plus strand): 5'-GCCGCTGGCCCAGAAGCAGATACTCTGGGTCCGTCTGGCCTTGGATCACTTTCTCCCCAG[A>G]CTCCTTAACACGCTGGTAGCTGTCTTGGTGCCCGTCAATCTCATCCTTGATACCTGCATG-3'
Protein context (NP_001342365.1, residues 1113-1133): HQDSYQRVKE[Ser1123Pro]GEKVIQGQTD

ClinVar aggregate classification (germline): Uncertain significance (1 of 4 stars; one submission).

gnomAD v4.1: 56 of 1,612,766 alleles (0.0035%); highest among the groups gnomAD compares: Non-Finnish European, 0.0047%; no homozygotes.

Submission:

Labcorp Genetics (formerly Invitae), Labcorp
Classification: Uncertain significance. Last evaluated: 2026-01-21. Review status: criteria provided, single submitter. Criteria: Invitae Variant Classification Sherloc (09022015). Collection method: clinical testing. Allele origin: germline.
Comment: This sequence change replaces serine, which is neutral and polar, with proline, which is neutral and non-polar, at codon 1123 of the SPTB protein (p.Ser1123Pro). This variant is present in population databases (rs775202372, gnomAD 0.004%). This variant has not been reported in the literature in individuals affected with SPTB-related conditions. An algorithm developed to predict the effect of missense changes on protein structure and function (PolyPhen-2) suggests that this variant is likely to be tolerated. In summary, the available evidence is currently insufficient to determine the role of this variant in disease. Therefore, it has been classified as a Variant of Uncertain Significance.